The following is an entry in ClinVar:

NM_212481.3(ARID5A):c.71C>T (p.Pro24Leu)

Gene: ARID5A (AT-rich interaction domain 5A; plus strand). Cytogenetic location: 2q11.2.
Variant type: single nucleotide variant.
Coding change: c.71C>T on transcript NM_212481.3 (MANE Select); coding-DNA position 71, C replaced by T.
Protein change: p.Pro24Leu; replaces proline 24 with leucine.
Molecular consequence: missense variant. On other transcripts: 5 prime UTR variant (4).
Genome position (GRCh38, 1-based): chr2:96,547,468, C>T. VCF-style: chr2-96547468-C-T. GRCh37 (hg19) VCF-style: chr2-97213205-C-T.
Other names: c.71C>T, p.Pro24Leu (NM_001319085.2, NM_001319087.2); c.-134C>T (NM_001319092.1); c.-283C>T (NM_001319093.2, NM_001319096.2); c.-391C>T (NM_001319094.2); short protein forms P24L.
Identifiers: ClinVar variation 4984950 (VCV004984950.1).

ClinVar aggregate classification (germline): Uncertain significance (1 of 4 stars; one submission).

Conditions:
ARID5A-related disorder. Also called: ARID5A-related condition.

gnomAD v4.1: 98 of 1,614,070 alleles (0.0061%); highest among the groups gnomAD compares: Non-Finnish European, 0.0082%; no homozygotes.

Submission:

PreventionGenetics, part of Exact Sciences
Classification: Uncertain significance for ARID5A-related condition. Last evaluated: 2024-12-14. Review status: criteria provided, single submitter. Criteria: ACMG Guidelines, 2015. Collection method: clinical testing. Allele origin: germline.
Comment: The ARID5A c.71C>T variant is predicted to result in the amino acid substitution p.Pro24Leu. To our knowledge, this variant has not been reported in the literature. This variant is reported in 0.0026% of alleles in individuals of European (Non-Finnish) descent in gnomAD. At this time, the clinical significance of this variant is uncertain due to the absence of conclusive functional and genetic evidence.